The following is an entry in ClinVar:

NM_014989.7(RIMS1):c.1687G>A (p.Asp563Asn)

Gene: RIMS1 (regulating synaptic membrane exocytosis 1; plus strand). Cytogenetic location: 6q13.
Variant type: single nucleotide variant.
Coding change: c.1687G>A on transcript NM_014989.7 (MANE Select); coding-DNA position 1687, G replaced by A.
Protein change: p.Asp563Asn; replaces aspartic acid 563 with asparagine.
Molecular consequence: missense variant. On other transcripts: 5 prime UTR variant (9).
Genome position (GRCh38, 1-based): chr6:72,233,781, G>A. VCF-style: chr6-72233781-G-A. GRCh37 (hg19) VCF-style: chr6-72943484-G-A.
Other names: c.109G>A, p.Asp37Asn (NM_001168407.2, NM_001168408.2, NM_001350414.2 and 37 more transcripts); c.-135G>A (NM_001168409.2, NM_001350461.2, NM_001350463.2 and 6 more transcripts); c.64G>A, p.Asp22Asn (NM_001168410.2, NM_001350470.2, NM_001350472.2 and 2 more transcripts); c.40G>A, p.Asp14Asn (NM_001350421.2, NM_001350424.2, NM_001350428.2 and 6 more transcripts); short protein forms D22N, D37N, D14N, D563N.
Identifiers: ClinVar variation 1372369 (VCV001372369.6), dbSNP rs1212149722, ClinGen allele CA364823331.

ClinVar aggregate classification (germline): Uncertain significance (1 of 4 stars; one submission).

Allele frequency attached by ClinVar (database versions not stated): gnomAD 0.00001.
gnomAD v4.1: 1 of 1,571,450 alleles (0.000064%); highest among the groups gnomAD compares: Non-Finnish European, 0.000087%; no homozygotes.

Submission:

Labcorp Genetics (formerly Invitae), Labcorp
Classification: Uncertain significance. Last evaluated: 2021-08-04. Review status: criteria provided, single submitter. Criteria: Invitae Variant Classification Sherloc (09022015). Collection method: clinical testing. Allele origin: germline.
Comment: In summary, the available evidence is currently insufficient to determine the role of this variant in disease. Therefore, it has been classified as a Variant of Uncertain Significance. Algorithms developed to predict the effect of missense changes on protein structure and function are either unavailable or do not agree on the potential impact of this missense change (SIFT: "Deleterious"; PolyPhen-2: "Probably Damaging"; Align-GVGD: "Class C15"). This variant has not been reported in the literature in individuals affected with RIMS1-related conditions. This variant is not present in population databases (ExAC no frequency). This sequence change replaces aspartic acid with asparagine at codon 563 of the RIMS1 protein (p.Asp563Asn). The aspartic acid residue is highly conserved and there is a small physicochemical difference between aspartic acid and asparagine.